The following is an entry in ClinVar:

ClinVar aggregate classification (germline): Conflicting classifications of pathogenicity. Review status: criteria provided, conflicting classifications (1 of 4 stars). 4 submissions from 4 submitters: Uncertain significance (2); Likely benign (2). Last evaluated 2026-04-15.

Conditions:
Inborn genetic diseases. Identifiers: MedGen C0950123, MeSH D030342.
Susceptibility to mononeuropathy of the median nerve, mild. Also called: CARPAL TUNNEL SYNDROME, SUSCEPTIBILITY TO. Identifiers: MedGen C3150596, MONDO:0013237, OMIM 613353.
Charcot-Marie-Tooth disease type 4C (CMT4C). Also called: CHARCOT-MARIE-TOOTH DISEASE, DEMYELINATING, TYPE 4C; Charcot-Marie-Tooth Neuropathy Type 4C (CMT4C); SH3TC2-Related Hereditary Motor and Sensory Neuropathy; CHARCOT-MARIE-TOOTH DISEASE, DEMYELINATING, AUTOSOMAL RECESSIVE, TYPE 4C; CMT 4C. Identifiers: Orphanet 99949, MedGen C1866636, MONDO:0011113, OMIM 601596.
Charcot-Marie-Tooth disease type 4. Also called: Charcot-Marie-Tooth disease, type IV; Charcot-Marie-Tooth, Type 4. Identifiers: Orphanet 64749, MedGen C4082197, MONDO:0018995.
SH3TC2-related disorder. Also called: SH3TC2-related disorders; SH3TC2-related condition. Identifiers: MedGen CN239303.

Allele frequency attached by ClinVar (database versions not stated): TOPMed 0.00002; gnomAD 0.00003 and 0.00007; ExAC 0.00012; gnomAD exomes 0.00014.
gnomAD v4.1: 141 of 1,614,096 alleles (0.0087%); highest among the groups gnomAD compares: South Asian, 0.14%; no homozygotes.

Submissions (4):

PreventionGenetics, part of Exact Sciences
Classification: Uncertain significance for SH3TC2-related condition. Last evaluated: 2026-04-15. Review status: criteria provided, single submitter. Criteria: ACMG Guidelines, 2015. Collection method: clinical testing. Allele origin: germline.
Comment: The SH3TC2 c.2023G>A variant is predicted to result in the amino acid substitution p.Val675Ile. To our knowledge, this variant has not been reported in the literature. This variant is reported in 0.098% of alleles in individuals of South Asian descent in gnomAD. Although we suspect that this variant may be benign, at this time, the clinical significance of this variant is uncertain due to the absence of conclusive functional and genetic evidence.

Labcorp Genetics (formerly Invitae), Labcorp
Classification: Likely benign for Charcot-Marie-Tooth disease type 4. Last evaluated: 2025-12-06. Review status: criteria provided, single submitter. Criteria: Invitae Variant Classification Sherloc (09022015). Collection method: clinical testing. Allele origin: germline.

Department of Pathology and Laboratory Medicine, Sinai Health System
Classification: Uncertain significance for Charcot-Marie-Tooth disease type 4C; Susceptibility to mononeuropathy of the median nerve, mild. Last evaluated: 2023-02-27. Review status: criteria provided, single submitter. Criteria: ACMG Guidelines, 2015. Collection method: research. Allele origin: germline.

Ambry Genetics
Classification: Likely benign for Inborn genetic diseases. Last evaluated: 2022-12-14. Review status: criteria provided, single submitter. Criteria: Ambry Variant Classification Scheme 2023. Collection method: clinical testing. Allele origin: germline.

NM_024577.4(SH3TC2):c.2023G>A (p.Val675Ile)

Gene: SH3TC2 (SH3 domain and tetratricopeptide repeats 2; minus strand). Cytogenetic location: 5q32.
Variant type: single nucleotide variant.
Coding change: c.2023G>A on transcript NM_024577.4 (MANE Select); coding-DNA position 2023, G replaced by A.
Protein change: p.Val675Ile; replaces valine 675 with isoleucine.
Molecular consequence: missense variant.
Genome position (GRCh38, 1-based): chr5:149,027,709, C>T on the plus strand (G>A on the coding strand, the complement: SH3TC2 is on the minus strand). VCF-style: chr5-149027709-C-T. GRCh37 (hg19) VCF-style: chr5-148407272-C-T.
Other names: short protein forms V675I.
Identifiers: ClinVar variation 543325 (VCV000543325.13), dbSNP rs764633604, ClinGen allele CA3499075.